The following is an entry in ClinVar:

NM_000545.8(HNF1A):c.337T>G (p.Trp113Gly)

Gene: HNF1A (HNF1 homeobox A; plus strand). Cytogenetic location: 12q24.31.
Variant type: single nucleotide variant.
Coding change: c.337T>G on transcript NM_000545.8 (MANE Select); coding-DNA position 337, T replaced by G.
Protein change: p.Trp113Gly; replaces tryptophan 113 with glycine.
Molecular consequence: missense variant.
Genome position (GRCh38, 1-based): chr12:120,988,843, T>G. VCF-style: chr12-120988843-T-G. GRCh37 (hg19) VCF-style: chr12-121426646-T-G.
Other names: c.337T>G, p.Trp113Gly (NM_001306179.2, NM_001406915.1); short protein forms W113G.
Identifiers: ClinVar variation 4746419 (VCV004746419.1).

ClinVar aggregate classification (germline): Likely pathogenic (1 of 4 stars; one submission).

Submission:

Labcorp Genetics (formerly Invitae), Labcorp
Classification: Likely pathogenic. Last evaluated: 2025-11-19. Review status: criteria provided, single submitter. Criteria: Invitae Variant Classification Sherloc (09022015). Collection method: clinical testing. Allele origin: germline.
Comment: This sequence change replaces tryptophan, which is neutral and slightly polar, with glycine, which is neutral and non-polar, at codon 113 of the HNF1A protein (p.Trp113Gly). This variant is not present in population databases (gnomAD no frequency). This missense change has been observed in individual(s) with maturity-onset diabetes of the young (internal data). It has also been observed to segregate with disease in related individuals. Invitae Evidence Modeling of protein sequence and biophysical properties (such as structural, functional, and spatial information, amino acid conservation, physicochemical variation, residue mobility, and thermodynamic stability) indicates that this missense variant is not expected to disrupt HNF1A protein function with a negative predictive value of 80%. This variant disrupts the p.Trp113 amino acid residue in HNF1A. Other variant(s) that disrupt this residue have been observed in individuals with HNF1A-related conditions (PMID: 24698406), which suggests that this may be a clinically significant amino acid residue. In summary, the currently available evidence indicates that the variant is pathogenic, but additional data are needed to prove that conclusively. Therefore, this variant has been classified as Likely Pathogenic.

Literature cited by the submitters: PubMed 24698406.